The following is an entry in ClinVar:

NM_020987.5(ANK3):c.12281T>C (p.Met4094Thr)

Gene: ANK3 (ankyrin 3; minus strand). Cytogenetic location: 10q21.2.
Variant type: single nucleotide variant.
Coding change: c.12281T>C on transcript NM_020987.5 (MANE Select); coding-DNA position 12281, T replaced by C.
Protein change: p.Met4094Thr; replaces methionine 4094 with threonine.
Molecular consequence: missense variant.
Genome position (GRCh38, 1-based): chr10:60,067,973, A>G on the plus strand (T>C on the coding strand, the complement: ANK3 is on the minus strand). VCF-style: chr10-60067973-A-G. GRCh37 (hg19) VCF-style: chr10-61827731-A-G.
Other names: c.1844T>C, p.Met615Thr (NM_001149.4); c.4424T>C, p.Met1475Thr (NM_001204403.2); c.4445T>C, p.Met1482Thr (NM_001204404.2); c.4442T>C, p.Met1481Thr (NM_001320874.2); c.12281T>C (NM_020987.3); short protein forms M1475T, M615T, M1481T, M1482T, M4094T.
Identifiers: ClinVar variation 2903538 (VCV002903538.5), dbSNP rs748863853, ClinGen allele CA5510925.

ClinVar aggregate classification (germline): Uncertain significance. Review status: criteria provided, multiple submitters, no conflicts (2 of 4 stars). 2 submissions from 2 submitters: Uncertain significance (2). Last evaluated 2026-03-27.

Allele frequency attached by ClinVar (database versions not stated): ExAC 0.00001; TOPMed 0.00003.
gnomAD v4.1: 101 of 1,610,752 alleles (0.0063%); highest among the groups gnomAD compares: Non-Finnish European, 0.0084%; no homozygotes.

Submissions (2):

GeneDx
Classification: Uncertain significance. Last evaluated: 2026-03-27. Review status: criteria provided, single submitter. Criteria: GeneDx Variant Classification Process June 2021. Collection method: clinical testing. Allele origin: germline.
Comment: In silico analysis supports that this missense variant has a deleterious effect on protein structure/function; Has not been previously published as pathogenic or benign to our knowledge

Labcorp Genetics (formerly Invitae), Labcorp
Classification: Uncertain significance. Last evaluated: 2023-12-15. Review status: criteria provided, single submitter. Criteria: Invitae Variant Classification Sherloc (09022015). Collection method: clinical testing. Allele origin: germline.
Comment: This sequence change replaces methionine, which is neutral and non-polar, with threonine, which is neutral and polar, at codon 4094 of the ANK3 protein (p.Met4094Thr). This variant is present in population databases (rs748863853, gnomAD 0.005%). This variant has not been reported in the literature in individuals affected with ANK3-related conditions. Advanced modeling of protein sequence and biophysical properties (such as structural, functional, and spatial information, amino acid conservation, physicochemical variation, residue mobility, and thermodynamic stability) performed at Invitae indicates that this missense variant is not expected to disrupt ANK3 protein function with a negative predictive value of 80%. In summary, the available evidence is currently insufficient to determine the role of this variant in disease. Therefore, it has been classified as a Variant of Uncertain Significance.